The following is an entry in ClinVar:

NM_152703.5(SAMD9L):c.980T>G (p.Ile327Ser)

Gene: SAMD9L (sterile alpha motif domain containing 9 like; minus strand). Cytogenetic location: 7q21.2.
Variant type: single nucleotide variant.
Coding change: c.980T>G on transcript NM_152703.5 (MANE Select); coding-DNA position 980, T replaced by G.
Protein change: p.Ile327Ser; replaces isoleucine 327 with serine.
Molecular consequence: missense variant.
Genome position (GRCh38, 1-based): chr7:93,134,992, A>C on the plus strand (T>G on the coding strand, the complement: SAMD9L is on the minus strand). VCF-style: chr7-93134992-A-C. GRCh37 (hg19) VCF-style: chr7-92764305-A-C.
Other names: c.980T>G, p.Ile327Ser (NM_001303496.3, NM_001303497.3, NM_001303498.3 and 5 more transcripts); short protein forms I327S.
Identifiers: ClinVar variation 1928082 (VCV001928082.7), dbSNP rs568445278, ClinGen allele CA4343784.
Genomic context (GRCh38, chr7:93,134,992, plus strand): 5'-GCCCCTTCTCTTACAAACAGTGAAAGATTTTGGTTTTGTTTCCATATTTTATCTTTACAA[A>C]TTTGCATCTGAATGTAGAAATACTTATCATTACATATAGAGTGTTTTGGAATAGTATCAA-3'
Protein context (NP_689916.2, residues 317-337): NDKYFYIQMQ[Ile327Ser]CKDKIWKQNQ

ClinVar aggregate classification (germline): Conflicting classifications of pathogenicity. Review status: criteria provided, conflicting classifications (1 of 4 stars). 2 submissions from 2 submitters: Uncertain significance (1); Likely benign (1). Last evaluated 2025-09-15.

Conditions:
Inborn genetic diseases. Identifiers: MedGen C0950123, MeSH D030342.

Allele frequency attached by ClinVar (database versions not stated): gnomAD 0.00001; gnomAD exomes 0.00001; TOPMed 0.00001; ExAC 0.00005; 1000 Genomes Project 0.00020; 1000 Genomes Project 30x 0.00031.
gnomAD v4.1: 14 of 1,613,470 alleles (0.00087%); highest among the groups gnomAD compares: Admixed American, 0.022%; no homozygotes.

Submissions (2):

Labcorp Genetics (formerly Invitae), Labcorp
Classification: Uncertain significance. Last evaluated: 2025-09-15. Review status: criteria provided, single submitter. Criteria: Invitae Variant Classification Sherloc (09022015). Collection method: clinical testing. Allele origin: germline.
Comment: This sequence change replaces isoleucine, which is neutral and non-polar, with serine, which is neutral and polar, at codon 327 of the SAMD9L protein (p.Ile327Ser). This variant is present in population databases (rs568445278, gnomAD 0.03%). This variant has not been reported in the literature in individuals affected with SAMD9L-related conditions. ClinVar contains an entry for this variant (Variation ID: 1928082). An algorithm developed to predict the effect of missense changes on protein structure and function outputs the following: PolyPhen-2: "Benign". The serine amino acid residue is found in multiple mammalian species, which suggests that this missense change does not adversely affect protein function. In summary, the available evidence is currently insufficient to determine the role of this variant in disease. Therefore, it has been classified as a Variant of Uncertain Significance.

Ambry Genetics
Classification: Likely benign for Inborn genetic diseases. Last evaluated: 2024-11-18. Review status: criteria provided, single submitter. Criteria: Ambry Variant Classification Scheme 2023. Collection method: clinical testing. Allele origin: germline.